The following is an entry in ClinVar:

NM_000053.4(ATP7B):c.3664G>A (p.Asp1222Asn)

Gene: ATP7B (ATPase copper transporting beta; minus strand). Cytogenetic location: 13q14.3.
Variant type: single nucleotide variant.
Coding change: c.3664G>A on transcript NM_000053.4 (MANE Select); coding-DNA position 3664, G replaced by A.
Protein change: p.Asp1222Asn; replaces aspartic acid 1222 with asparagine.
Molecular consequence: missense variant.
Genome position (GRCh38, 1-based): chr13:51,939,086, C>T on the plus strand (G>A on the coding strand, the complement: ATP7B is on the minus strand). VCF-style: chr13-51939086-C-T. GRCh37 (hg19) VCF-style: chr13-52513222-C-T.
Other names: p.Asp1222Asn; c.3664G>A (NM_000053.3); c.3043G>A, p.Asp1015Asn (NM_001005918.3); c.3331G>A, p.Asp1111Asn (NM_001243182.2); c.3430G>A, p.Asp1144Asn (NM_001330578.2); c.3412G>A, p.Asp1138Asn (NM_001330579.2); short protein forms D1015N, D1111N, D1138N, D1144N, D1222N.
Identifiers: ClinVar variation 1675525 (VCV001675525.34), dbSNP rs2138663905, ClinGen allele CA388023808.

ClinVar aggregate classification (germline): Pathogenic/Likely pathogenic. Review status: criteria provided, multiple submitters, no conflicts (2 of 4 stars). 3 submissions from 3 submitters: Pathogenic (2); Likely pathogenic (1). Last evaluated 2025-07-08.

Conditions:
Wilson disease (WND). Also called: Wilson's disease. Identifiers: Orphanet 905, MedGen C0019202, MONDO:0010200, OMIM 277900. Disease mechanism: loss of function.

Submissions (3):

3billion
Classification: Pathogenic for Wilson disease. Last evaluated: 2025-07-08. Review status: criteria provided, single submitter. Criteria: ACMG Guidelines, 2015. Collection method: clinical testing. Allele origin: germline. Affected: yes.
Comment: The variant is not observed in the gnomAD v4.1.0 dataset. Predicted Consequence/Location: Missense variant. The majority of the known disease-causing variants of this gene are variants expected to result in premature termination of the protein. Functional studies provide moderate evidence of the variant having a damaging effect on the gene or gene product (PMID: 24253677). In silico tool predictions suggest damaging effect of the variant on gene or gene product [REVEL: 0.94 (>=0.6, sensitivity 0.68 and specificity 0.92)]. The same nucleotide change resulting in the same amino acid change has been previously reported as pathogenic/likely pathogenic with strong evidence (ClinVar ID: VCV001675525 /PMID: 10453196). Different missense changes at the same codon (p.Asp1222Tyr, p.Asp1222Val) have been reported to be associated with ATP7B-related disorder (PMID: 10544227, 9311736). Therefore, this variant is classified as Pathogenic according to the recommendation of ACMG/AMP guideline.

Mayo Clinic Laboratories, Mayo Clinic
Classification: Likely pathogenic. Last evaluated: 2022-08-24. Review status: criteria provided, single submitter. Criteria: ACMG Guidelines, 2015. Collection method: clinical testing. Allele origin: germline. Observed: 1 variant allele.
Comment: PP3, PP4, PM2, PM3

CeGaT Center for Human Genetics Tuebingen
Classification: Pathogenic. Last evaluated: 2022-03-01. Review status: criteria provided, single submitter. Criteria: CeGaT Center For Human Genetics Tuebingen Variant Classification Criteria Version 2. Collection method: clinical testing. Allele origin: germline. Affected: yes. Observed: 1 variant allele.
Comment: ATP7B: PS1, PM1, PM2, PP3, PP4

Literature cited by the submitters: PubMed 10544227 (cited by 3billion); PubMed 10453196 (cited by 3billion and Mayo Clinic Laboratories, Mayo Clinic); PubMed 24253677 (cited by 3billion and Mayo Clinic Laboratories, Mayo Clinic); PubMed 22677543 (cited by Mayo Clinic Laboratories, Mayo Clinic); PubMed 22692182 (cited by Mayo Clinic Laboratories, Mayo Clinic); PubMed 25130000 (cited by Mayo Clinic Laboratories, Mayo Clinic).